The following is an entry in ClinVar:

NM_001291415.2(KDM6A):c.2988+1G>A

Gene: KDM6A (lysine demethylase 6A; plus strand). Cytogenetic location: Xp11.3.
Variant type: single nucleotide variant.
Coding change: c.2988+1G>A on transcript NM_001291415.2 (MANE Select); the canonical splice donor site of the intron after coding-DNA position 2988, G replaced by A.
Molecular consequence: splice donor variant.
Genome position (GRCh38, 1-based): chrX:45,076,827, G>A. VCF-style: chrX-45076827-G-A. GRCh37 (hg19) VCF-style: chrX-44936072-G-A.
Other names: c.2832+1G>A (NM_021140.4); c.2730+1G>A (NM_001410742.1); c.2853+1G>A (NM_001291416.2); c.2697+1G>A (NM_001291417.2); c.2595+1G>A (NM_001291418.2); c.1944+1G>A (NM_001291421.2).
Identifiers: ClinVar variation 545065 (VCV000545065.12), dbSNP rs1135401809, ClinGen allele CA412799350.

ClinVar aggregate classification (germline): Pathogenic. Review status: criteria provided, multiple submitters, no conflicts (2 of 4 stars). 3 submissions from 3 submitters: Pathogenic (2). 1 of the submissions does not count toward it. Last evaluated 2022-03-15.
ClinVar aggregate classification (oncogenicity): Likely oncogenic (1 of 4 stars; one submission).

Conditions:
Kabuki syndrome 2 (KABUK2). Also called: KDM6A-Related Kabuki Syndrome. Identifiers: Orphanet 2322, MedGen C3275495, MONDO:0010465, OMIM 300867.
Neoplasm. Also called: tumor; Neoplasms; Neoplasm (disease). Identifiers: MedGen C0027651, MeSH D009369, MONDO:0005070, HP:0002664.

Submissions (5):

Center for Genomic Medicine, Rigshospitalet, Copenhagen University Hospital
Classification: Likely oncogenic for Neoplasm. Last evaluated: 2025-12-29. Review status: criteria provided, single submitter. Criteria: ClinGen/CGC/VICC Guidelines for Oncogenicity, 2022. Collection method: clinical testing. Allele origin: somatic. Affected: yes.

GeneDx
Classification: Pathogenic. Last evaluated: 2022-03-15. Review status: criteria provided, single submitter. Criteria: GeneDx Variant Classification Process June 2021. Collection method: clinical testing. Allele origin: germline. Affected: yes.
Comment: Canonical splice site variant predicted to result in a null allele in a gene for which loss-of-function is a known mechanism of disease; Not observed at significant frequency in large population cohorts (gnomAD); This variant is associated with the following publications: (PMID: 27302555, 27535533)

Labcorp Genetics (formerly Invitae), Labcorp
Classification: Pathogenic for Kabuki syndrome 2. Last evaluated: 2017-11-08. Review status: criteria provided, single submitter. Criteria: Invitae Variant Classification Sherloc (09022015). Collection method: clinical testing. Allele origin: germline.
Comment: For these reasons, this variant has been classified as Pathogenic. Donor and acceptor splice site variants typically lead to a loss of protein function (PMID: 16199547), and loss-of-function variants in KDM6A are known to be pathogenic (PMID: 23076834). This variant has been reported to be de novo in an individual affected with Kabuki syndrome (PMID: 27302555). This variant is not present in population databases (ExAC no frequency). This sequence change affects a donor splice site in intron 18 of the KDM6A gene. It is expected to disrupt RNA splicing and likely results in an absent or disrupted protein product.

Laboratory of Molecular Genetics (Pr. Bezieau's lab), CHU de Nantes
Classification: Pathogenic. Last evaluated: 2017-04-10. Review status: no assertion criteria provided. Collection method: clinical testing. Allele origin: germline. Affected: yes. Not counted in ClinVar's aggregate classification.

Dr. Peter K. Rogan Lab, Western University
No classification provided (evidence only). Condition: Nonpapillary renal cell carcinoma. Review status: no classification provided. Collection method: in vitro. Allele origin: not applicable. Functional consequence: retained intron. Not counted in ClinVar's aggregate classification.

Literature cited by the submitters: PubMed 16199547 (cited by Labcorp Genetics (formerly Invitae), Labcorp); PubMed 23076834 (cited by Labcorp Genetics (formerly Invitae), Labcorp); PubMed 27302555 (cited by Labcorp Genetics (formerly Invitae), Labcorp).